The following is an entry in ClinVar:

NM_020831.6(MRTFA):c.1976A>G (p.Lys659Arg)

Gene: MRTFA (myocardin related transcription factor A; minus strand). Cytogenetic location: 22q13.1.
Variant type: single nucleotide variant.
Coding change: c.1976A>G on transcript NM_020831.6 (MANE Select); coding-DNA position 1976, A replaced by G.
Protein change: p.Lys659Arg; replaces lysine 659 with arginine.
Molecular consequence: missense variant.
Genome position (GRCh38, 1-based): chr22:40,418,762, T>C on the plus strand (A>G on the coding strand, the complement: MRTFA is on the minus strand). VCF-style: chr22-40418762-T-C. GRCh37 (hg19) VCF-style: chr22-40814766-T-C.
Other names: c.1676A>G, p.Lys559Arg (NM_001282660.2); c.1826A>G, p.Lys609Arg (NM_001282661.3); c.1976A>G, p.Lys659Arg (NM_001282662.3); c.1781A>G, p.Lys594Arg (NM_001318139.2); short protein forms K559R, K609R, K659R, K594R.
Identifiers: ClinVar variation 2886596 (VCV002886596.3), dbSNP rs1022896465, ClinGen allele CA324467565.

ClinVar aggregate classification (germline): Uncertain significance (1 of 4 stars; one submission).

Allele frequency attached by ClinVar (database versions not stated): TOPMed 0.00001; gnomAD exomes 0.00002; gnomAD 0.00001.
gnomAD v4.1: 30 of 1,546,846 alleles (0.0019%); highest among the groups gnomAD compares: Non-Finnish European, 0.0026%; no homozygotes.

Submission:

Labcorp Genetics (formerly Invitae), Labcorp
Classification: Uncertain significance. Last evaluated: 2026-01-16. Review status: criteria provided, single submitter. Criteria: Invitae Variant Classification Sherloc (09022015). Collection method: clinical testing. Allele origin: germline.
Comment: This sequence change replaces lysine, which is basic and polar, with arginine, which is basic and polar, at codon 559 of the MKL1 protein (p.Lys559Arg). This variant is not present in population databases (gnomAD no frequency). This variant has not been reported in the literature in individuals affected with MKL1-related conditions. ClinVar contains an entry for this variant (Variation ID: 2886596). An algorithm developed to predict the effect of missense changes on protein structure and function (PolyPhen-2) suggests that this variant is likely to be tolerated. In summary, the available evidence is currently insufficient to determine the role of this variant in disease. Therefore, it has been classified as a Variant of Uncertain Significance.